The following is an entry in ClinVar:

NM_001378969.1(KCND3):c.1339A>G (p.Asn447Asp)

Gene: KCND3 (potassium voltage-gated channel subfamily D member 3; minus strand). Cytogenetic location: 1p13.2.
Variant type: single nucleotide variant.
Coding change: c.1339A>G on transcript NM_001378969.1 (MANE Select); coding-DNA position 1339, A replaced by G.
Protein change: p.Asn447Asp; replaces asparagine 447 with aspartic acid.
Molecular consequence: missense variant.
Genome position (GRCh38, 1-based): chr1:111,780,722, T>C on the plus strand (A>G on the coding strand, the complement: KCND3 is on the minus strand). VCF-style: chr1-111780722-T-C. GRCh37 (hg19) VCF-style: chr1-112323344-T-C.
Other names: c.1339A>G, p.Asn447Asp (NM_001378970.1, NM_004980.5, NM_172198.3); short protein forms N447D.
Identifiers: ClinVar variation 663733 (VCV000663733.8), dbSNP rs1571626928, ClinGen allele CA341659087.

ClinVar aggregate classification (germline): Uncertain significance (1 of 4 stars; one submission).

Conditions:
Spinocerebellar ataxia type 19/22 (SCA19). Also called: SPINOCEREBELLAR ATAXIA 19; SPINOCEREBELLAR ATAXIA 22. Identifiers: Orphanet 98772, MedGen C1846367, MONDO:0011819, OMIM 607346.

Submission:

Labcorp Genetics (formerly Invitae), Labcorp
Classification: Uncertain significance for Spinocerebellar ataxia type 19/22. Last evaluated: 2018-07-10. Review status: criteria provided, single submitter. Criteria: Invitae Variant Classification Sherloc (09022015). Collection method: clinical testing. Allele origin: germline.
Comment: This sequence change replaces asparagine with aspartic acid at codon 447 of the KCND3 protein (p.Asn447Asp). The asparagine residue is moderately conserved and there is a small physicochemical difference between asparagine and aspartic acid. In summary, the available evidence is currently insufficient to determine the role of this variant in disease. Therefore, it has been classified as a Variant of Uncertain Significance. Algorithms developed to predict the effect of missense changes on protein structure and function are either unavailable or do not agree on the potential impact of this missense change (SIFT: "Tolerated"; PolyPhen-2: "Possibly Damaging"; Align-GVGD: "Class C0"). This variant has not been reported in the literature in individuals with KCND3-related disease. This variant is not present in population databases (ExAC no frequency).